The following is an entry in ClinVar:

NM_000179.3(MSH6):c.1284G>T (p.Lys428Asn)

Gene: MSH6 (mutS homolog 6; plus strand). Cytogenetic location: 2p16.3.
Variant type: single nucleotide variant.
Coding change: c.1284G>T on transcript NM_000179.3 (MANE Select); coding-DNA position 1284, G replaced by T.
Protein change: p.Lys428Asn; replaces lysine 428 with asparagine.
Molecular consequence: missense variant.
Genome position (GRCh38, 1-based): chr2:47,799,267, G>T. VCF-style: chr2-47799267-G-T. GRCh37 (hg19) VCF-style: chr2-48026406-G-T.
Other names: c.894G>T, p.Lys298Asn (NM_001281492.2); c.378G>T, p.Lys126Asn (NM_001281493.2, NM_001281494.2, NM_001406811.1 and 6 more transcripts); c.1380G>T, p.Lys460Asn (NM_001406795.1, NM_001406802.1); c.1284G>T, p.Lys428Asn (NM_001406796.1, NM_001406798.1, NM_001406800.1 and 4 more transcripts); c.987G>T, p.Lys329Asn (NM_001406797.1, NM_001406801.1, NM_001406805.1 and 10 more transcripts); c.759G>T, p.Lys253Asn (NM_001406799.1, NM_001406806.1, NM_001406807.1); c.1206G>T, p.Lys402Asn (NM_001406804.1); c.1290G>T, p.Lys430Asn (NM_001406813.1); and 1 more; short protein forms K372N, K126N, K253N, K402N, K460N, K298N, K329N, K428N.
Identifiers: ClinVar variation 1768730 (VCV001768730.2), dbSNP rs767746584, ClinGen allele CA346744148.

ClinVar aggregate classification (germline): Uncertain significance (1 of 4 stars; one submission).

Conditions:
Hereditary cancer-predisposing syndrome. Also called: Hereditary Cancer Syndrome; Hereditary neoplastic syndrome; Neoplastic Syndromes, Hereditary; Tumor predisposition. Identifiers: Orphanet 140162, MedGen C0027672, MeSH D009386, MONDO:0015356.

Submission:

Ambry Genetics
Classification: Uncertain significance for Hereditary cancer-predisposing syndrome. Last evaluated: 2018-12-29. Review status: criteria provided, single submitter. Criteria: Ambry Variant Classification Scheme 2023. Collection method: clinical testing. Allele origin: germline.
Comment: The p.K428N variant (also known as c.1284G>T), located in coding exon 4 of the MSH6 gene, results from a G to T substitution at nucleotide position 1284. The lysine at codon 428 is replaced by asparagine, an amino acid with similar properties. This amino acid position is highly conserved in available vertebrate species. In addition, the in silico prediction for this alteration is inconclusive. In addition, the CoDP in silico tool predicts this alteration to likely impact molecular function, with a score of 0.911 (Terui H et al. J. Biomed. Sci. 2013 Apr;20:25). Since supporting evidence is limited at this time, the clinical significance of this alteration remains unclear.